The following is an entry in ClinVar:

ClinVar aggregate classification (germline): Pathogenic (1 of 4 stars; one submission).

Conditions:
Neurofibromatosis, type 1 (NF1). Also called: Peripheral type neurofibromatosis; Neurofibromatosis, type I; VON RECKLINGHAUSEN DISEASE; NEUROFIBROMATOSIS, TYPE I, SOMATIC. Identifiers: Orphanet 636, MedGen C0027831, MONDO:0018975, OMIM 162200. Disease mechanism: loss of function.

Submission:

Labcorp Genetics (formerly Invitae), Labcorp
Classification: Pathogenic for Neurofibromatosis, type 1. Last evaluated: 2019-04-26. Review status: criteria provided, single submitter. Criteria: Invitae Variant Classification Sherloc (09022015). Collection method: clinical testing. Allele origin: germline.
Comment: For these reasons, this variant has been classified as Pathogenic. Loss-of-function variants in NF1 are known to be pathogenic (PMID: 10712197, 23913538). This variant has not been reported in the literature in individuals with NF1-related conditions. This variant is not present in population databases (ExAC no frequency). This sequence change creates a premature translational stop signal (p.Ser2580*) in the NF1 gene. It is expected to result in an absent or disrupted protein product.

Literature cited by the submitters: PubMed 10712197; PubMed 23913538.

NM_001042492.3(NF1):c.7802C>A (p.Ser2601Ter)

Gene: NF1 (neurofibromin 1; plus strand). Cytogenetic location: 17q11.2.
Variant type: single nucleotide variant.
Coding change: c.7802C>A on transcript NM_001042492.3 (MANE Select); coding-DNA position 7802, C replaced by A.
Protein change: p.Ser2601Ter; replaces serine 2601 with a stop codon.
Molecular consequence: nonsense.
Genome position (GRCh38, 1-based): chr17:31,357,023, C>A. VCF-style: chr17-31357023-C-A. GRCh37 (hg19) VCF-style: chr17-29684041-C-A.
Other names: c.7739C>A, p.Ser2580Ter (NM_000267.4); short protein forms S2580*, S2601*.
Identifiers: ClinVar variation 945791 (VCV000945791.6), dbSNP rs2070288287, ClinGen allele CA399018512.